The following is an entry in ClinVar:

ClinVar aggregate classification (germline): Uncertain significance (1 of 4 stars; one submission).

Allele frequency attached by ClinVar (database versions not stated): TOPMed 0.00004; ExAC 0.00007; gnomAD 0.00007; ESP Exome Variant Server 0.00008; 1000 Genomes Project 0.00040; 1000 Genomes Project 30x 0.00047.
gnomAD v4.1: 81 of 1,600,324 alleles (0.0051%); highest among the groups gnomAD compares: South Asian, 0.027%; no homozygotes.

Submission:

Labcorp Genetics (formerly Invitae), Labcorp
Classification: Uncertain significance. Last evaluated: 2022-05-04. Review status: criteria provided, single submitter. Criteria: Invitae Variant Classification Sherloc (09022015). Collection method: clinical testing. Allele origin: germline.
Comment: This sequence change replaces arginine, which is basic and polar, with histidine, which is basic and polar, at codon 240 of the SLC12A1 protein (p.Arg240His). This variant is present in population databases (rs181114352, gnomAD 0.02%). This variant has not been reported in the literature in individuals affected with SLC12A1-related conditions. Algorithms developed to predict the effect of missense changes on protein structure and function are either unavailable or do not agree on the potential impact of this missense change (SIFT: "Deleterious"; PolyPhen-2: "Probably Damaging"; Align-GVGD: "Class C0"). In summary, the available evidence is currently insufficient to determine the role of this variant in disease. Therefore, it has been classified as a Variant of Uncertain Significance.

NM_000338.3(SLC12A1):c.719G>A (p.Arg240His)

Gene: SLC12A1 (solute carrier family 12 member 1; plus strand). Cytogenetic location: 15q21.1.
Variant type: single nucleotide variant.
Coding change: c.719G>A on transcript NM_000338.3 (MANE Select); coding-DNA position 719, G replaced by A.
Protein change: p.Arg240His; replaces arginine 240 with histidine.
Molecular consequence: missense variant. On other transcripts: intron variant (2).
Genome position (GRCh38, 1-based): chr15:48,226,566, G>A. VCF-style: chr15-48226566-G-A. GRCh37 (hg19) VCF-style: chr15-48518763-G-A.
Other names: c.724+619G>A (NM_001384136.1); c.629-513G>A (NM_001184832.2); short protein forms R240H.
Identifiers: ClinVar variation 2174473 (VCV002174473.1), dbSNP rs181114352, ClinGen allele CA7546846.
Genomic context (GRCh38, chr15:48,226,566, plus strand): 5'-CCATGGTAACTTCTATTACTGGGTTGTCAACTTCTGCGATAGCAACTAACGGGTTTGTTC[G>A]TGGAGGTAAAATCTCTAAGATATCTAATGCCCTCATCACTTGCTACGGGTAGGCGAACAA-3'
Protein context (NP_000329.2, residues 230-250): TSAIATNGFV[Arg240His]GGGAYYLISR